The following is an entry in ClinVar:

NM_004082.5(DCTN1):c.547C>T (p.Pro183Ser)

Gene: DCTN1 (dynactin subunit 1; minus strand). Cytogenetic location: 2p13.1.
Variant type: single nucleotide variant.
Coding change: c.547C>T on transcript NM_004082.5 (MANE Select); coding-DNA position 547, C replaced by T.
Protein change: p.Pro183Ser; replaces proline 183 with serine.
Molecular consequence: missense variant. On other transcripts: non-coding transcript variant (1).
Genome position (GRCh38, 1-based): chr2:74,371,635, G>A on the plus strand (C>T on the coding strand, the complement: DCTN1 is on the minus strand). VCF-style: chr2-74371635-G-A. GRCh37 (hg19) VCF-style: chr2-74598762-G-A.
Other names: c.487C>T, p.Pro163Ser (NM_001135040.3); c.145C>T, p.Pro49Ser (NM_001135041.3, NM_023019.4); c.436C>T, p.Pro146Ser (NM_001190836.2); c.526C>T, p.Pro176Ser (NM_001190837.2); c.496C>T, p.Pro166Ser (NM_001378991.1); c.478C>T, p.Pro160Ser (NM_001378992.1); short protein forms P166S, P183S, P160S, P176S, P146S, P163S, P49S.
Identifiers: ClinVar variation 943362 (VCV000943362.10), dbSNP rs1674861180, ClinGen allele CA347367347.
Genomic context (GRCh38, chr2:74,371,635, plus strand): 5'-AGGTGAGGACCGGCGTGGGGATGATGGGTGCTGCCAGCGGAGTCTGAGCCGGGGTGCTGG[G>A]CTCACTGCTGCTCAGCTCACCTGCTGACGCTGAGCCAGAGGGGCCCAGGGAGCTACTGGC-3'
Protein context (NP_004073.2, residues 173-193): ASAGELSSSE[Pro183Ser]STPAQTPLAA

ClinVar aggregate classification (germline): Uncertain significance (1 of 4 stars; one submission).

Conditions:
Neuronopathy, distal hereditary motor, type 7B. Also called: Distal Hereditary Motor Neuronopathy Type 7B (dHMN7B); HMN VIIB; NEURONOPATHY, DISTAL HEREDITARY MOTOR, AUTOSOMAL DOMINANT 14; NEURONOPATHY, DISTAL HEREDITARY MOTOR, HARDING TYPE VIIB; NEUROPATHY, DISTAL HEREDITARY MOTOR, HARDING TYPE VIIB; NEUROPATHY, DISTAL HEREDITARY MOTOR, WITH VOCAL CORD PARALYSIS, HARDING TYPE VIIB. Identifiers: Orphanet 139589, MedGen C1843315, MONDO:0011879, OMIM 607641.
Amyotrophic lateral sclerosis type 1 (ALS1). Also called: AMYOTROPHIC LATERAL SCLEROSIS 1, FAMILIAL. Identifiers: Orphanet 803, MedGen C1862939, MONDO:0007103, OMIM 105400.
Perry syndrome. Also called: PARKINSONISM WITH ALVEOLAR HYPOVENTILATION AND MENTAL DEPRESSION. Identifiers: Orphanet 178509, MedGen C1868594, MONDO:0008201, OMIM 168605.

Submission:

Labcorp Genetics (formerly Invitae), Labcorp
Classification: Uncertain significance for Amyotrophic lateral sclerosis type 1; Neuronopathy, distal hereditary motor, type 7B; Perry syndrome. Last evaluated: 2019-05-16. Review status: criteria provided, single submitter. Criteria: Invitae Variant Classification Sherloc (09022015). Collection method: clinical testing. Allele origin: germline.
Comment: In summary, the available evidence is currently insufficient to determine the role of this variant in disease. Therefore, it has been classified as a Variant of Uncertain Significance. Algorithms developed to predict the effect of missense changes on protein structure and function are either unavailable or do not agree on the potential impact of this missense change (SIFT: "Deleterious"; PolyPhen-2: "Benign"; Align-GVGD: "Class C65"). This variant has not been reported in the literature in individuals with DCTN1-related conditions. This variant is not present in population databases (ExAC no frequency). This sequence change replaces proline with serine at codon 183 of the DCTN1 protein (p.Pro183Ser). The proline residue is highly conserved and there is a moderate physicochemical difference between proline and serine.